The following is an entry in ClinVar:

NM_014915.3(ANKRD26):c.4274C>G (p.Thr1425Arg)

Gene: ANKRD26 (ankyrin repeat domain containing 26; minus strand). Cytogenetic location: 10p12.1.
Variant type: single nucleotide variant.
Coding change: c.4274C>G on transcript NM_014915.3 (MANE Select); coding-DNA position 4274, C replaced by G.
Protein change: p.Thr1425Arg; replaces threonine 1425 with arginine.
Molecular consequence: missense variant.
Genome position (GRCh38, 1-based): chr10:27,017,734, G>C on the plus strand (C>G on the coding strand, the complement: ANKRD26 is on the minus strand). VCF-style: chr10-27017734-G-C. GRCh37 (hg19) VCF-style: chr10-27306663-G-C.
Other names: c.4271C>G, p.Thr1424Arg (NM_001256053.2); short protein forms T1424R, T1425R.
Identifiers: ClinVar variation 3872057 (VCV003872057.1).
Genomic context (GRCh38, chr10:27,017,734, plus strand): 5'-TCACATTTCTTTTGTACTGTTTTCATAGATAACAACTCCTCTTGAAGAATTTGGTTCTTT[G>C]TATCCAGATGTAGACATTTTGAACCTGCAGTCTCCAGTTCTGCTGTAAGATCATCAATCT-3'
Protein context (NP_055730.2, residues 1415-1435): TAGSKCLHLD[Thr1425Arg]KNQILQEELL

ClinVar aggregate classification (germline): Uncertain significance (1 of 4 stars; one submission).

Conditions:
Inborn genetic diseases. Identifiers: MedGen C0950123, MeSH D030342.

Submission:

Ambry Genetics
Classification: Uncertain significance for Inborn genetic diseases. Last evaluated: 2025-03-06. Review status: criteria provided, single submitter. Criteria: Ambry Variant Classification Scheme 2023. Collection method: clinical testing. Allele origin: germline.
Comment: The p.T1425R variant (also known as c.4274C>G), located in coding exon 30 of the ANKRD26 gene, results from a C to G substitution at nucleotide position 4274. The threonine at codon 1425 is replaced by arginine, an amino acid with similar properties. This amino acid position is conserved. In addition, this alteration is predicted to be tolerated by in silico analysis. Based on the available evidence, the clinical significance of this variant remains unclear.